The following is an entry in ClinVar:

ClinVar aggregate classification (germline): Likely pathogenic (1 of 4 stars; one submission).

Conditions:
Methylcobalamin deficiency type cblG (HMAG). Also called: HOMOCYSTINURIA-MEGALOBLASTIC ANEMIA, cblG TYPE; HOMOCYSTINURIA-MEGALOBLASTIC ANEMIA DUE TO DEFECT IN COBALAMIN METABOLISM, cblG COMPLEMENTATION TYPE; HOMOCYSTINURIA-MEGALOBLASTIC ANEMIA, cblG COMPLEMENTATION TYPE; Functional methionine synthase deficiency type cblG. Identifiers: Orphanet 2170, Orphanet 622, MedGen C1855128, MONDO:0009609, OMIM 250940.

Allele frequency attached by ClinVar (database versions not stated): gnomAD exomes below 0.00001; gnomAD 0.00001.
gnomAD v4.1: 5 of 1,243,688 alleles (0.0004%); highest among the groups gnomAD compares: South Asian, 0.0042%; no homozygotes.

Submission:

Labcorp Genetics (formerly Invitae), Labcorp
Classification: Likely pathogenic for Methylcobalamin deficiency type cblG. Last evaluated: 2022-12-21. Review status: criteria provided, single submitter. Criteria: Invitae Variant Classification Sherloc (09022015). Collection method: clinical testing. Allele origin: germline.
Comment: This sequence change affects an acceptor splice site in intron 19 of the MTR gene. It is expected to disrupt RNA splicing. Variants that disrupt the donor or acceptor splice site typically lead to a loss of protein function (PMID: 16199547), and loss-of-function variants in MTR are known to be pathogenic (PMID: 9683607, 12068375). In summary, the currently available evidence indicates that the variant is pathogenic, but additional data are needed to prove that conclusively. Therefore, this variant has been classified as Likely Pathogenic. Algorithms developed to predict the effect of sequence changes on RNA splicing suggest that this variant may disrupt the consensus splice site. This variant has not been reported in the literature in individuals affected with MTR-related conditions. This variant is not present in population databases (gnomAD no frequency).

Literature cited by the submitters: PubMed 16199547; PubMed 9683607; PubMed 12068375.

NM_000254.3(MTR):c.2044-1G>A

Gene: MTR (5-methyltetrahydrofolate-homocysteine methyltransferase; plus strand). Cytogenetic location: 1q43.
Variant type: single nucleotide variant.
Coding change: c.2044-1G>A on transcript NM_000254.3 (MANE Select); the canonical splice acceptor site of the intron before coding-DNA position 2044, G replaced by A.
Molecular consequence: splice acceptor variant. On other transcripts: intron variant (1).
Genome position (GRCh38, 1-based): chr1:236,861,124, G>A. VCF-style: chr1-236861124-G-A. GRCh37 (hg19) VCF-style: chr1-237024424-G-A.
Other names: c.2044-1112G>A (NM_001291939.1); c.2044-1G>A (NM_001410942.1); c.823-1G>A (NM_001291940.2).
Identifiers: ClinVar variation 2822997 (VCV002822997.3), dbSNP rs764980259, ClinGen allele CA345376683.
Genomic context (GRCh38, chr1:236,861,124, plus strand): 5'-TTTAGGTGATTTTTTTTTTCTTTCTTTCTTTTTCTTTTTTTTTTTTTTTTGTCTTTTTTA[G>A]GGCATTGAAAAACATATTATTGAGGATACTGAGGAAGCCAGGTTAAACCAAAAAAAATAT-3'